The following is an entry in ClinVar:

ClinVar aggregate classification (germline): Benign (0 of 4 stars; one submission).

Conditions:
ZNF750-related disorder. Also called: ZNF750-related condition.

Allele frequency attached by ClinVar (database versions not stated): 1000 Genomes Project 0.12460; 1000 Genomes Project 30x 0.12836; ESP Exome Variant Server 0.16231; ExAC 0.16930; TOPMed 0.16963; gnomAD exomes 0.17148.
gnomAD v4.1: 275,780 of 1,613,822 alleles (17%); highest among the groups gnomAD compares: Admixed American, 27%; 25,228 homozygotes.

Submission:

PreventionGenetics, part of Exact Sciences
Classification: Benign for ZNF750-related condition. Last evaluated: 2019-10-28. Review status: no assertion criteria provided. Collection method: clinical testing. Allele origin: germline.
Comment: This variant is classified as benign based on ACMG/AMP sequence variant interpretation guidelines (Richards et al. 2015 PMID: 25741868, with internal and published modifications).

NM_024702.3(ZNF750):c.703A>G (p.Met235Val)

Genes: TBCD (tubulin folding cofactor D), ZNF750 (zinc finger protein 750; minus strand). Cytogenetic location: 17q25.3.
Variant type: single nucleotide variant.
Coding change: c.703A>G on transcript NM_024702.3 (MANE Select); coding-DNA position 703, A replaced by G.
Protein change: p.Met235Val; replaces methionine 235 with valine.
Molecular consequence: missense variant. On other transcripts: intron variant (3).
Genome position (GRCh38, 1-based): chr17:82,831,752, T>C on the plus strand (A>G on the coding strand, the complement: ZNF750 is on the minus strand). VCF-style: chr17-82831752-T-C. GRCh37 (hg19) VCF-style: chr17-80789628-T-C.
Other names: c.1318+16818T>C (NM_005993.5, NM_001411102.1); c.1267+16818T>C (NM_001411101.1); short protein forms M235V.
Identifiers: ClinVar variation 3060121 (VCV003060121.2), dbSNP rs8074277, ClinGen allele CA8862370.